The following is an entry in ClinVar:

NM_000132.4(F8):c.2044G>A (p.Val682Ile)

Gene: F8 (coagulation factor VIII; minus strand). Cytogenetic location: Xq28.
Variant type: single nucleotide variant.
Coding change: c.2044G>A on transcript NM_000132.4 (MANE Select); coding-DNA position 2044, G replaced by A.
Protein change: p.Val682Ile; replaces valine 682 with isoleucine.
Molecular consequence: missense variant.
Genome position (GRCh38, 1-based): chrX:154,947,767, C>T on the plus strand (G>A on the coding strand, the complement: F8 is on the minus strand). VCF-style: chrX-154947767-C-T. GRCh37 (hg19) VCF-style: chrX-154176042-C-T.
Other names: short protein forms V682I.
Identifiers: ClinVar variation 4687522 (VCV004687522.1).

ClinVar aggregate classification (germline): Uncertain significance (1 of 4 stars; one submission).

gnomAD v4.1: 1 of 1,210,609 alleles (0.000083%); highest among the groups gnomAD compares: Non-Finnish European, 0.00011%; no homozygotes.

Submission:

Women's Health and Genetics/Laboratory Corporation of America, LabCorp
Classification: Uncertain significance. Last evaluated: 2025-10-07. Review status: criteria provided, single submitter. Criteria: LabCorp Variant Classification Summary - May 2015. Collection method: clinical testing. Allele origin: germline.
Comment: Variant summary: F8 c.2044G>A (p.Val682Ile) results in a conservative amino acid change in the encoded protein sequence. Algorithms developed to predict the effect of missense changes on protein structure and function are either unavailable or do not agree on the potential impact of this missense change. The variant was absent in 183248 control chromosomes. The available data on variant occurrences in the general population are insufficient to allow any conclusion about variant significance. To our knowledge, no occurrence of c.2044G>A in individuals affected with F8-related conditions and no experimental evidence demonstrating its impact on protein function have been reported. No submitters have cited clinical-significance assessments for this variant to ClinVar. Based on the evidence outlined above, the variant was classified as uncertain significance.